The following is an entry in ClinVar:

ClinVar aggregate classification (germline): Uncertain significance (1 of 4 stars; one submission).

Conditions:
Hereditary cancer-predisposing syndrome. Also called: Hereditary Cancer Syndrome; Hereditary neoplastic syndrome; Neoplastic Syndromes, Hereditary; Tumor predisposition. Identifiers: Orphanet 140162, MedGen C0027672, MeSH D009386, MONDO:0015356.

Submission:

Ambry Genetics
Classification: Uncertain significance for Hereditary cancer-predisposing syndrome. Last evaluated: 2025-05-15. Review status: criteria provided, single submitter. Criteria: Ambry Variant Classification Scheme 2023. Collection method: clinical testing. Allele origin: germline.
Comment: The p.I118T variant (also known as c.353T>C), located in coding exon 4 of the MRE11A gene, results from a T to C substitution at nucleotide position 353. The isoleucine at codon 118 is replaced by threonine, an amino acid with similar properties. This amino acid position is conserved. In addition, this alteration is predicted to be deleterious by in silico analysis. Based on the available evidence, the clinical significance of this variant remains unclear.

NM_005591.4(MRE11):c.353T>C (p.Ile118Thr)

Gene: MRE11 (MRE11 double strand break repair nuclease; minus strand). Cytogenetic location: 11q21.
Variant type: single nucleotide variant.
Coding change: c.353T>C on transcript NM_005591.4 (MANE Select); coding-DNA position 353, T replaced by C.
Protein change: p.Ile118Thr; replaces isoleucine 118 with threonine.
Molecular consequence: missense variant.
Genome position (GRCh38, 1-based): chr11:94,479,723, A>G on the plus strand (T>C on the coding strand, the complement: MRE11 is on the minus strand). VCF-style: chr11-94479723-A-G. GRCh37 (hg19) VCF-style: chr11-94212889-A-G.
Other names: c.353T>C, p.Ile118Thr (NM_001330347.2, NM_005590.4); short protein forms I118T.
Identifiers: ClinVar variation 3912884 (VCV003912884.1).